The following is an entry in ClinVar:

ClinVar aggregate classification (germline): Uncertain significance (1 of 4 stars; one submission).

Submission:

Ambry Genetics
Classification: Uncertain significance. Last evaluated: 2025-12-22. Review status: criteria provided, single submitter. Criteria: Ambry Variant Classification Scheme 2023. Collection method: clinical testing. Allele origin: germline.
Comment: The p.T138A variant (also known as c.412A>G), located in coding exon 2 of the GALNT12 gene, results from an A to G substitution at nucleotide position 412. The threonine at codon 138 is replaced by alanine, an amino acid with similar properties. This amino acid position is conserved. In addition, the in silico prediction for this alteration is inconclusive. Based on the available evidence, the clinical significance of this variant remains unclear.

NM_024642.5(GALNT12):c.412A>G (p.Thr138Ala)

Gene: GALNT12 (polypeptide N-acetylgalactosaminyltransferase 12; plus strand). Cytogenetic location: 9q22.33.
Variant type: single nucleotide variant.
Coding change: c.412A>G on transcript NM_024642.5 (MANE Select); coding-DNA position 412, A replaced by G.
Protein change: p.Thr138Ala; replaces threonine 138 with alanine.
Molecular consequence: missense variant.
Genome position (GRCh38, 1-based): chr9:98,823,296, A>G. VCF-style: chr9-98823296-A-G. GRCh37 (hg19) VCF-style: chr9-101585578-A-G.
Other names: short protein forms T138A.
Identifiers: ClinVar variation 4831849 (VCV004831849.1).
Genomic context (GRCh38, chr9:98,823,296, plus strand): 5'-AAGTTCCGCTGTATTTGCAGGTGCAAAGAGAAGAAATATGATTATGATAATTTGCCCAGG[A>G]CATCTGTTATCATAGCATTTTATAATGAAGCCTGGTCAACTCTCCTTCGGACAGTTTACA-3'
Protein context (NP_078918.3, residues 128-148): KKYDYDNLPR[Thr138Ala]SVIIAFYNEA